The following is an entry in ClinVar:

ClinVar aggregate classification (germline): Conflicting classifications of pathogenicity. Review status: criteria provided, conflicting classifications (1 of 4 stars). 6 submissions from 6 submitters: Uncertain significance (2); Likely benign (3). 1 of the submissions does not count toward it. Last evaluated 2026-04-07.

Conditions:
VPS13B-related disorder. Also called: VPS13B-related condition.
Cohen syndrome (COH1). Also called: Cutis verticis gyrata, retinitis pigmentosa, and sensorineural deafness; PEPPER SYNDROME. Identifiers: Orphanet 193, MedGen C0265223, MONDO:0008999, OMIM 216550.
Inborn genetic diseases. Identifiers: MedGen C0950123, MeSH D030342.

Allele frequency attached by ClinVar (database versions not stated): ESP Exome Variant Server 0.00008; gnomAD exomes 0.00010 and 0.00013; ExAC 0.00012; gnomAD 0.00013 and 0.00014; TOPMed 0.00020.
gnomAD v4.1: 164 of 1,608,116 alleles (0.01%); highest among the groups gnomAD compares: Admixed American, 0.087%; no homozygotes.

Submissions (6):

Women's Health and Genetics/Laboratory Corporation of America, LabCorp
Classification: Uncertain significance. Last evaluated: 2026-04-07. Review status: criteria provided, single submitter. Criteria: LabCorp Variant Classification Summary - May 2015. Collection method: clinical testing. Allele origin: germline.

Labcorp Genetics (formerly Invitae), Labcorp
Classification: Likely benign for Cohen syndrome. Last evaluated: 2026-02-02. Review status: criteria provided, single submitter. Criteria: Invitae Variant Classification Sherloc (09022015). Collection method: clinical testing. Allele origin: germline.

Blueprint Genetics
Classification: Likely benign. Last evaluated: 2024-10-02. Review status: criteria provided, single submitter. Criteria: ACMG Guidelines, 2015. Collection method: clinical testing. Allele origin: germline.

Ambry Genetics
Classification: Likely benign for Inborn genetic diseases. Last evaluated: 2018-06-22. Review status: criteria provided, single submitter. Criteria: Ambry Variant Classification Scheme 2023. Collection method: clinical testing. Allele origin: germline.

Illumina Laboratory Services, Illumina
Classification: Uncertain significance for Cohen syndrome. Last evaluated: 2018-01-13. Review status: criteria provided, single submitter. Criteria: ICSL Variant Classification Criteria 13 December 2019. Collection method: clinical testing. Allele origin: germline.

PreventionGenetics, part of Exact Sciences
Classification: Likely benign for VPS13B-related condition. Last evaluated: 2021-06-28. Review status: no assertion criteria provided. Collection method: clinical testing. Allele origin: germline. Not counted in ClinVar's aggregate classification.
Comment: This variant is classified as likely benign based on ACMG/AMP sequence variant interpretation guidelines (Richards et al. 2015 PMID: 25741868, with internal and published modifications).

NM_152564.5(VPS13B):c.5223C>A (p.Ile1741=)

Gene: VPS13B (vacuolar protein sorting 13 homolog B; plus strand). Cytogenetic location: 8q22.2.
Variant type: single nucleotide variant.
Coding change: c.5223C>A on transcript NM_152564.5 (MANE Select); coding-DNA position 5223, C replaced by A.
Protein change: p.Ile1741=; no amino-acid change (isoleucine 1741 retained).
Molecular consequence: synonymous variant.
Genome position (GRCh38, 1-based): chr8:99,641,813, C>A. VCF-style: chr8-99641813-C-A. GRCh37 (hg19) VCF-style: chr8-100654041-C-A.
Other names: c.5298C>A, p.Ile1766= (NM_017890.5); c.5223C>A (NM_152564.4).
Identifiers: ClinVar variation 909333 (VCV000909333.19), dbSNP rs144223843, ClinGen allele CA4823789.
Genomic context (GRCh38, chr8:99,641,813, plus strand): 5'-TTTATATGACACTTGGCATGTAACTAGTTTGAAATATTTTATTACTTTTTTCTTACAGAT[C>A]TCTAAACAAGAACAGAAAAAAGTGGATATATTTGATGGAGGCATGGCTGAAACCTCATCT-3'
Protein context (NP_689777.3, residues 1731-1751): GLEPSNKAAE[Ile1741=]SKQEQKKVDI